The following is an entry in ClinVar:

ClinVar aggregate classification (germline): Pathogenic. Review status: criteria provided, multiple submitters, no conflicts (2 of 4 stars). 5 submissions from 5 submitters: Pathogenic (4). 1 of the submissions does not count toward it. Last evaluated 2024-04-25.

Conditions:
Inborn genetic diseases. Identifiers: MedGen C0950123, MeSH D030342.
Nemaline myopathy 2 (NEM2). Also called: Nemaline myopathy 2, autosomal recessive. Identifiers: MedGen C1850569, MONDO:0009725, OMIM 256030.

Submissions (5):

Natera, Inc.
Classification: Pathogenic for Nemaline myopathy type 2. Last evaluated: 2024-04-25. Review status: criteria provided, single submitter. Criteria: Natera Variant Classification Schema (03/2026). Collection method: clinical testing. Allele origin: germline.
Comment: The c.24770_24771delTT variant in NEB is a frameshift variant predicted to shift the reading frame and introduce a stop codon. This variant is expected to result in nonsense mediated decay, truncation, or a dysfunctional protein product. This variant is rare in the general population with a frequency below the threshold expected for the associated phenotype(s). This variant has been observed in one or more individuals affected with the associated recessive disease, as either homozygous or compound heterozygous with a second variant (PMID: 25356970). Given the available evidence, this variant is classified as Pathogenic.

Labcorp Genetics (formerly Invitae), Labcorp
Classification: Pathogenic for Nemaline myopathy 2. Last evaluated: 2024-02-05. Review status: criteria provided, single submitter. Criteria: Invitae Variant Classification Sherloc (09022015). Collection method: clinical testing. Allele origin: germline.
Comment: This sequence change creates a premature translational stop signal (p.Phe8257*) in the NEB gene. It is expected to result in an absent or disrupted protein product. Loss-of-function variants in NEB are known to be pathogenic (PMID: 25205138). This variant is not present in population databases (gnomAD no frequency). This premature translational stop signal has been observed in individual(s) with clinical features of NEB-related conditions (PMID: 25356970). This variant is also known as p.F6366*. ClinVar contains an entry for this variant (Variation ID: 194452). For these reasons, this variant has been classified as Pathogenic.

Eurofins Ntd Llc (ga)
Classification: Pathogenic. Last evaluated: 2014-07-01. Review status: criteria provided, single submitter. Criteria: EGL Classification Definitions 2015. Collection method: clinical testing. Allele origin: germline. Observed: 2 variant alleles, 2 heterozygotes.

Ambry Genetics
Classification: Pathogenic for Inborn genetic diseases. Last evaluated: 2014-01-03. Review status: criteria provided, single submitter. Criteria: Ambry Autosomal Dominant and X-Linked criteria (10/2015). Collection method: clinical testing. Allele origin: germline. Observed: 1 variant allele.

Counsyl
Classification: Likely pathogenic for Nemaline myopathy 2. Last evaluated: 2017-09-12. Review status: no assertion criteria provided. Collection method: clinical testing. Allele origin: unknown. Not counted in ClinVar's aggregate classification.

Literature cited by the submitters: PubMed 25356970 (cited by 3 submitters); PubMed 25205138 (cited by Labcorp Genetics (formerly Invitae), Labcorp).

NM_001164508.2(NEB):c.24665_24666del (p.Asn8221_Phe8222insTer)

Genes: NEB (nebulin; minus strand), RIF1 (replication timing regulatory factor 1; plus strand). Cytogenetic location: 2q23.3.
Variant type: Deletion.
Coding change: c.24665_24666del on transcript NM_001164508.2 (MANE Select); coding-DNA positions 24665 to 24666, 2 bases deleted (TT; older notation c.24665_24666delTT).
Protein change: p.Asn8221_Phe8222insTer.
Molecular consequence: nonsense.
Genome position (GRCh38, 1-based): chr2:151,493,781-151,493,782, AA deleted on the plus strand (TT on the coding strand, the reverse complement: NEB is on the minus strand); deleting any 2 consecutive bases within chr2:151,493,781-151,493,783 gives the same sequence; the c. name uses the placement nearest the transcript's 3' end. VCF-style (leftmost placement, unchanged base first): chr2-151493780-TAA-T. GRCh37 (hg19) VCF-style: chr2-152350294-TAA-T.
Other names: c.24665_24666del, p.Asn8221_Phe8222insTer (NM_001164507.2); c.24770_24771del, p.Asn8256_Phe8257insTer (NM_001271208.2); c.19097_19098del, p.Asn6365_Phe6366insTer (NM_004543.5).
Identifiers: ClinVar variation 194452 (VCV000194452.11), dbSNP rs794727136, ClinGen allele CA204752.
Genomic context (GRCh38, chr2:151,493,780, plus strand): 5'-CATGTTTGCCAGGGCTGTTAAGATTTTAAGGATTTATTTTTCCTTTCTAAAATACCGAGC[TAA>T]AGTTTTCTTGATTGCGTTTCACTCTTTCCATCTCAGGAGTAAAGGGTGTGGGGGTTGCTT-3'